The following is an entry in ClinVar:

NM_007254.4(PNKP):c.199-2A>G

Gene: PNKP (polynucleotide kinase 3'-phosphatase; minus strand). Cytogenetic location: 19q13.33.
Variant type: single nucleotide variant.
Coding change: c.199-2A>G on transcript NM_007254.4 (MANE Select); the canonical splice acceptor site of the intron before coding-DNA position 199, A replaced by G.
Molecular consequence: splice acceptor variant.
Genome position (GRCh38, 1-based): chr19:49,865,428, T>C on the plus strand (A>G on the coding strand, the complement: PNKP is on the minus strand). VCF-style: chr19-49865428-T-C. GRCh37 (hg19) VCF-style: chr19-50368685-T-C.
Identifiers: ClinVar variation 1068053 (VCV001068053.7), dbSNP rs1391913873, ClinGen allele CA406891485.
Genomic context (GRCh38, chr19:49,865,428, plus strand): 5'-GAGCCCTCCAACCCCGGCTTCAACTCCTGGGTCCCGGTAGTTGAGGGGTTAACTCCCAGC[T>C]GCAGAAAGAGAGGGAGGAGCTGGGACTGGCTCCGCCCCCACCGGGAGCTTCCTCCAATCA-3'

ClinVar aggregate classification (germline): Likely pathogenic (1 of 4 stars; one submission).

Conditions:
Developmental and epileptic encephalopathy, 12 (DEE12). Identifiers: MedGen C3150988, MONDO:0013389, OMIM 613722.

Allele frequency attached by ClinVar (database versions not stated): gnomAD exomes below 0.00001.
gnomAD v4.1: 3 of 1,598,510 alleles (0.00019%); highest among the groups gnomAD compares: East Asian, 0.0023%; no homozygotes.

Submission:

Labcorp Genetics (formerly Invitae), Labcorp
Classification: Likely pathogenic for Developmental and epileptic encephalopathy, 12. Last evaluated: 2025-06-09. Review status: criteria provided, single submitter. Criteria: Invitae Variant Classification Sherloc (09022015). Collection method: clinical testing. Allele origin: germline.
Comment: This sequence change affects an acceptor splice site in intron 3 of the PNKP gene. It is expected to disrupt RNA splicing. Variants that disrupt the donor or acceptor splice site typically lead to a loss of protein function (PMID: 16199547), and loss-of-function variants in PNKP are known to be pathogenic (PMID: 20118933, 25728773). The frequency data for this variant in the population databases is considered unreliable, as metrics indicate poor data quality at this position in the gnomAD database. This variant has not been reported in the literature in individuals affected with PNKP-related conditions. ClinVar contains an entry for this variant (Variation ID: 1068053). Algorithms developed to predict the effect of sequence changes on RNA splicing suggest that this variant may disrupt the consensus splice site. In summary, the currently available evidence indicates that the variant is pathogenic, but additional data are needed to prove that conclusively. Therefore, this variant has been classified as Likely Pathogenic.

Literature cited by the submitters: PubMed 16199547; PubMed 20118933; PubMed 25728773.